The following is an entry in ClinVar:

NM_000548.5(TSC2):c.5001C>G (p.Asn1667Lys)

Gene: TSC2 (TSC complex subunit 2; plus strand). Cytogenetic location: 16p13.3.
Variant type: single nucleotide variant.
Coding change: c.5001C>G on transcript NM_000548.5 (MANE Select); coding-DNA position 5001, C replaced by G.
Protein change: p.Asn1667Lys; replaces asparagine 1667 with lysine.
Molecular consequence: missense variant.
Genome position (GRCh38, 1-based): chr16:2,087,874, C>G. VCF-style: chr16-2087874-C-G. GRCh37 (hg19) VCF-style: chr16-2137875-C-G.
Other names: c.4800C>G, p.Asn1600Lys (NM_001077183.3); c.4932C>G, p.Asn1644Lys (NM_001114382.3); c.4692C>G, p.Asn1564Lys (NM_001318827.2); c.4656C>G, p.Asn1552Lys (NM_001318829.2); c.4269C>G, p.Asn1423Lys (NM_001318831.2); c.4833C>G, p.Asn1611Lys (NM_001318832.2); c.4803C>G, p.Asn1601Lys (NM_001363528.2); c.4869C>G, p.Asn1623Lys (NM_001370404.1); and 1 more; short protein forms N1423K, N1552K, N1564K, N1600K, N1601K, N1611K, N1623K, N1624K.
Identifiers: ClinVar variation 1020058 (VCV001020058.8), dbSNP rs551938797, ClinGen allele CA394311023.

ClinVar aggregate classification (germline): Uncertain significance (1 of 4 stars; one submission).

Conditions:
Tuberous sclerosis 2 (TSC2). Identifiers: Orphanet 805, MedGen C1860707, MONDO:0013199, OMIM 613254.

Submission:

Labcorp Genetics (formerly Invitae), Labcorp
Classification: Uncertain significance for Tuberous sclerosis 2. Last evaluated: 2020-10-06. Review status: criteria provided, single submitter. Criteria: Invitae Variant Classification Sherloc (09022015). Collection method: clinical testing. Allele origin: germline.
Comment: This sequence change replaces asparagine with lysine at codon 1667 of the TSC2 protein (p.Asn1667Lys). The asparagine residue is highly conserved and there is a moderate physicochemical difference between asparagine and lysine. This variant is not present in population databases (ExAC no frequency). This variant has not been reported in the literature in individuals with TSC2-related conditions. Advanced modeling of protein sequence and biophysical properties (such as structural, functional, and spatial information, amino acid conservation, physicochemical variation, residue mobility, and thermodynamic stability) performed at Invitae indicates that this missense variant is expected to disrupt TSC2 protein function. Algorithms developed to predict the effect of sequence changes on RNA splicing suggest that this variant may create or strengthen a splice site, but this prediction has not been confirmed by published transcriptional studies. In summary, the available evidence is currently insufficient to determine the role of this variant in disease. Therefore, it has been classified as a Variant of Uncertain Significance.